The following is an entry in ClinVar:

NM_020184.4(CNNM4):c.1103T>G (p.Leu368Arg)

Gene: CNNM4 (cyclin and CBS domain divalent metal cation transport mediator 4; plus strand). Cytogenetic location: 2q11.2.
Variant type: single nucleotide variant.
Coding change: c.1103T>G on transcript NM_020184.4 (MANE Select); coding-DNA position 1103, T replaced by G.
Protein change: p.Leu368Arg; replaces leucine 368 with arginine.
Molecular consequence: missense variant.
Genome position (GRCh38, 1-based): chr2:96,762,102, T>G. VCF-style: chr2-96762102-T-G. GRCh37 (hg19) VCF-style: chr2-97427839-T-G.
Other names: short protein forms L368R.
Identifiers: ClinVar variation 2038573 (VCV002038573.4), dbSNP rs2469455387, ClinGen allele CA347716312.

ClinVar aggregate classification (germline): Uncertain significance (1 of 4 stars; one submission).

Submission:

Labcorp Genetics (formerly Invitae), Labcorp
Classification: Uncertain significance. Last evaluated: 2021-12-09. Review status: criteria provided, single submitter. Criteria: Invitae Variant Classification Sherloc (09022015). Collection method: clinical testing. Allele origin: germline.
Comment: In summary, the available evidence is currently insufficient to determine the role of this variant in disease. Therefore, it has been classified as a Variant of Uncertain Significance. Algorithms developed to predict the effect of missense changes on protein structure and function are either unavailable or do not agree on the potential impact of this missense change (SIFT: "Deleterious"; PolyPhen-2: "Probably Damaging"; Align-GVGD: "Class C0"). This variant has not been reported in the literature in individuals affected with CNNM4-related conditions. This variant is not present in population databases (gnomAD no frequency). This sequence change replaces leucine, which is neutral and non-polar, with arginine, which is basic and polar, at codon 368 of the CNNM4 protein (p.Leu368Arg).